The following is an entry in ClinVar:

ClinVar aggregate classification (germline): Uncertain significance (1 of 4 stars; one submission).

Submission:

GeneDx
Classification: Uncertain significance. Last evaluated: 2023-07-30. Review status: criteria provided, single submitter. Criteria: GeneDx Variant Classification Process June 2021. Collection method: clinical testing. Allele origin: germline. Affected: yes.
Comment: Not observed at significant frequency in large population cohorts (gnomAD); In silico analysis supports that this missense variant does not alter protein structure/function; Has not been previously published as pathogenic or benign to our knowledge

NM_006734.4(HIVEP2):c.461A>G (p.Lys154Arg)

Gene: HIVEP2 (HIVEP zinc finger 2; minus strand). Cytogenetic location: 6q24.2.
Variant type: single nucleotide variant.
Coding change: c.461A>G on transcript NM_006734.4 (MANE Select); coding-DNA position 461, A replaced by G.
Protein change: p.Lys154Arg; replaces lysine 154 with arginine.
Molecular consequence: missense variant.
Genome position (GRCh38, 1-based): chr6:142,774,278, T>C on the plus strand (A>G on the coding strand, the complement: HIVEP2 is on the minus strand). VCF-style: chr6-142774278-T-C. GRCh37 (hg19) VCF-style: chr6-143095415-T-C.
Other names: short protein forms K154R.
Identifiers: ClinVar variation 3361556 (VCV003361556.1).